The following is an entry in ClinVar:

ClinVar aggregate classification (germline): Uncertain significance (1 of 4 stars; one submission).

gnomAD v4.1: 12 of 1,612,678 alleles (0.00074%); highest among the groups gnomAD compares: Non-Finnish European, 0.00093%; no homozygotes.

Submission:

Women's Health and Genetics/Laboratory Corporation of America, LabCorp
Classification: Uncertain significance. Last evaluated: 2024-09-30. Review status: criteria provided, single submitter. Criteria: LabCorp Variant Classification Summary - May 2015. Collection method: clinical testing. Allele origin: germline.
Comment: Variant summary: CD96 c.1331A>G (p.Asn444Ser) results in a conservative amino acid change in the encoded protein sequence. Five of five in-silico tools predict a benign effect of the variant on protein function. The variant allele was found at a frequency of 4e-06 in 251356 control chromosomes. The available data on variant occurrences in the general population are insufficient to allow any conclusion about variant significance. To our knowledge, no occurrence of c.1331A>G in individuals affected with C Syndrome and no experimental evidence demonstrating its impact on protein function have been reported. No submitters have cited clinical-significance assessments for this variant to ClinVar. Based on the evidence outlined above, the variant was classified as uncertain significance.

NM_005816.5(CD96):c.1283A>G (p.Asn428Ser)

Gene: CD96 (CD96 molecule; plus strand). Cytogenetic location: 3q13.2.
Variant type: single nucleotide variant.
Coding change: c.1283A>G on transcript NM_005816.5 (MANE Select); coding-DNA position 1283, A replaced by G.
Protein change: p.Asn428Ser; replaces asparagine 428 with serine.
Molecular consequence: missense variant. On other transcripts: non-coding transcript variant (1).
Genome position (GRCh38, 1-based): chr3:111,624,366, A>G. VCF-style: chr3-111624366-A-G. GRCh37 (hg19) VCF-style: chr3-111343213-A-G.
Other names: c.1283A>G, p.Asn428Ser (NM_001410800.1); c.1331A>G, p.Asn444Ser (NM_198196.3); short protein forms N428S, N444S.
Identifiers: ClinVar variation 3375363 (VCV003375363.1).